The following is an entry in ClinVar:

ClinVar aggregate classification (germline): Pathogenic (1 of 4 stars; one submission).

Submission:

Quest Diagnostics Nichols Institute San Juan Capistrano
Classification: Pathogenic. Last evaluated: 2023-02-27. Review status: criteria provided, single submitter. Criteria: ACMG/ClinGen CNV Guidelines, 2019. Collection method: clinical testing. Allele origin: unknown.
Comment: Inherited and de novo deletions involving 16p13.11 have been implicated in variable phenotypes ranging from unaffected to neurodevelopmental disorders with intellectual disability (Tropeano et al. PLoS One. 2013 Apr 18;8(4):e61365. PMID: 23637818; Nagamani et al., Eur J Hum Genet. 2010 19(3):280-6, PMID: 21150890; Hannes et al., 2009. J Med Genet. 46(4):223-32, PMID: 18550696; Ullmann et al., 2007. Hum Mutat. 28(7):674-82, PMID: 17480035; Rehm et al., N Engl J Med. 2015 Jun 4;372(23):2235-42. PMID: 26014595 ISCA-37415). Inheritance from a normal or mildly affected parent has been reported, suggesting incomplete penetrance and variable expressivity. This copy number loss is classified as pathogenic.

GRCh37/hg19 16p13.11(chr16:15495265-16309185)x1

Genes: ABCC1 (ATP binding cassette subfamily C member 1 (ABCC1 blood group); plus strand), ABCC6 (ATP binding cassette subfamily C member 6; minus strand), BMERB1 (bMERB domain containing 1; plus strand), CEP20 (centrosomal protein 20; minus strand), MARF1 (meiosis regulator and mRNA stability factor 1; minus strand) and 3 more. Cytogenetic location: 16p13.11.
Variant type: copy number loss.
Change: copy number 1 (one copy instead of two) of chr16:15,495,265-16,309,185 (813.9 kb, GRCh37 coordinates, 1-based), cytogenetic band 16p13.11.
Identifiers: ClinVar variation 564289 (VCV000564289.3).